The following is an entry in ClinVar:

ClinVar aggregate classification (germline): Uncertain significance (1 of 4 stars; one submission).

Conditions:
SLCO2A1-related disorder. Also called: SLCO2A1-related condition.

Submission:

PreventionGenetics, part of Exact Sciences
Classification: Uncertain significance for SLCO2A1-related condition. Last evaluated: 2026-08-14. Review status: criteria provided, single submitter. Criteria: ACMG Guidelines, 2015. Collection method: clinical testing. Allele origin: germline.
Comment: The SLCO2A1 c.665G>A variant is predicted to result in the amino acid substitution p.Gly222Glu. To our knowledge, this variant has not been reported in the literature or in a large population database (gnomAD), indicating this variant is rare. An alternate missense change at the same amino acid position (p.Gly222Arg) has been reported in individuals with primary hypertrophic osteoarthropathy (Umeno et al. 2018. PubMed ID: 29313109; Xu et al. 2021. PubMed ID: 33852188; Bloch et al. 2022. PubMed ID: 36549465), and functional studies have shown this substitution disrupts protein function (Seki et al. 2022. PubMed ID: 35877192). Although we suspect that this p.Gly222Glu variant may be pathogenic, at this time, the clinical significance of this variant is uncertain due to the absence of conclusive functional and genetic evidence.

NM_005630.3(SLCO2A1):c.665G>A (p.Gly222Glu)

Gene: SLCO2A1 (solute carrier organic anion transporter family member 2A1; minus strand). Cytogenetic location: 3q22.1.
Variant type: single nucleotide variant.
Coding change: c.665G>A on transcript NM_005630.3 (MANE Select); coding-DNA position 665, G replaced by A.
Protein change: p.Gly222Glu; replaces glycine 222 with glutamic acid.
Molecular consequence: missense variant.
Genome position (GRCh38, 1-based): chr3:133,953,722, C>T on the plus strand (G>A on the coding strand, the complement: SLCO2A1 is on the minus strand). VCF-style: chr3-133953722-C-T. GRCh37 (hg19) VCF-style: chr3-133672566-C-T.
Other names: short protein forms G222E.
Identifiers: ClinVar variation 4992299 (VCV004992299.1).